The following is an entry in ClinVar:

NM_000059.4(BRCA2):c.4983T>A (p.Tyr1661Ter)

Gene: BRCA2 (BRCA2 DNA repair associated; plus strand). Cytogenetic location: 13q13.1.
Variant type: single nucleotide variant.
Coding change: c.4983T>A on transcript NM_000059.4 (MANE Select); coding-DNA position 4983, T replaced by A.
Protein change: p.Tyr1661Ter; replaces tyrosine 1661 with a stop codon.
Molecular consequence: nonsense. On other transcripts: non-coding transcript variant (1), intron variant (2).
Genome position (GRCh38, 1-based): chr13:32,339,338, T>A. VCF-style: chr13-32339338-T-A. GRCh37 (hg19) VCF-style: chr13-32913475-T-A.
Other names: c.4983T>A, p.Tyr1661Ter (NM_001406719.1, NM_001406720.1); c.1910-5220T>A (NM_001406721.1); c.425-5220T>A (NM_001406722.1); short protein forms Y1661*.
Identifiers: ClinVar variation 2586295 (VCV002586295.2), dbSNP rs1060499833, ClinGen allele CA387783868.

ClinVar aggregate classification (germline): Pathogenic (1 of 4 stars; one submission).

Conditions:
Hereditary cancer-predisposing syndrome. Also called: Hereditary neoplastic syndrome; Tumor predisposition; Hereditary Cancer Syndrome; Neoplastic Syndromes, Hereditary. Identifiers: Orphanet 140162, MedGen C0027672, MeSH D009386, MONDO:0015356.

gnomAD v4.1: 1 of 1,592,760 alleles (0.000063%); highest among the groups gnomAD compares: Non-Finnish European, 0.000085%; no homozygotes.

Submission:

Ambry Genetics
Classification: Pathogenic for Hereditary cancer-predisposing syndrome. Last evaluated: 2023-08-08. Review status: criteria provided, single submitter. Criteria: Ambry Variant Classification Scheme 2023. Collection method: clinical testing. Allele origin: germline.
Comment: The p.Y1661* variant (also known as c.4983T>A), located in coding exon 10 of the BRCA2 gene, results from a T to A substitution at nucleotide position 4983. This changes the amino acid from a tyrosine to a stop codon within coding exon 10. This variant is considered to be rare based on population cohorts in the Genome Aggregation Database (gnomAD). This alteration is expected to result in loss of function by premature protein truncation or nonsense-mediated mRNA decay. As such, this alteration is interpreted as a disease-causing mutation.